The following is an entry in ClinVar:

NM_032578.4(MYPN):c.3494-233del

Gene: MYPN (myopalladin; plus strand). Cytogenetic location: 10q21.3.
Variant type: Deletion.
Coding change: c.3494-233del on transcript NM_032578.4 (MANE Select); 233 bases into the intron before coding-DNA position 3494, one base deleted (T; older notation c.3494-233delT).
Molecular consequence: intron variant.
Genome position (GRCh38, 1-based): chr10:68,201,596, T deleted. VCF-style (leftmost placement, unchanged base first): chr10-68201595-CT-C. GRCh37 (hg19) VCF-style: chr10-69961352-CT-C.
Other names: c.3494-233del (NM_001256267.2); c.2612-233del (NM_001256268.2); c.3494-233delT (NM_032578.3).
Identifiers: ClinVar variation 678120 (VCV000678120.1), dbSNP rs57872028, ClinGen allele CA208227710.

ClinVar aggregate classification (germline): Benign (1 of 4 stars; one submission).

Allele frequency attached by ClinVar (database versions not stated): gnomAD 0.99904 and 0.99913; 1000 Genomes Project 30x 0.99906; 1000 Genomes Project 1.00000.

Submission:

GeneDx
Classification: Benign. Last evaluated: 2018-06-14. Review status: criteria provided, single submitter. Criteria: GeneDx Variant Classification (06012015). Collection method: clinical testing. Allele origin: germline. Affected: yes.
Comment: This variant is considered likely benign or benign based on one or more of the following criteria: it is a conservative change, it occurs at a poorly conserved position in the protein, it is predicted to be benign by multiple in silico algorithms, and/or has population frequency not consistent with disease.